The following is an entry in ClinVar:

NM_177438.3(DICER1):c.3611A>G (p.Tyr1204Cys)

Gene: DICER1 (dicer 1, ribonuclease III; minus strand). Cytogenetic location: 14q32.13.
Variant type: single nucleotide variant.
Coding change: c.3611A>G on transcript NM_177438.3 (MANE Select); coding-DNA position 3611, A replaced by G.
Protein change: p.Tyr1204Cys; replaces tyrosine 1204 with cysteine.
Molecular consequence: missense variant. On other transcripts: non-coding transcript variant (6).
Genome position (GRCh38, 1-based): chr14:95,103,785, T>C on the plus strand (A>G on the coding strand, the complement: DICER1 is on the minus strand). VCF-style: chr14-95103785-T-C. GRCh37 (hg19) VCF-style: chr14-95570122-T-C.
Other names: c.3611A>G, p.Tyr1204Cys (NM_001195573.1, NM_001271282.3, NM_001291628.2 and 13 more transcripts); c.3329A>G, p.Tyr1110Cys (NM_001395686.1); c.3206A>G, p.Tyr1069Cys (NM_001395687.1, NM_001395688.1, NM_001395689.1 and 2 more transcripts); c.3044A>G, p.Tyr1015Cys (NM_001395691.1); c.1928A>G, p.Tyr643Cys (NM_001395697.1); short protein forms Y1110C, Y643C, Y1069C, Y1204C, Y1015C.
Identifiers: ClinVar variation 1733231 (VCV001733231.5), dbSNP rs1891134568, ClinGen allele CA390874696.

ClinVar aggregate classification (germline): Uncertain significance. Review status: criteria provided, multiple submitters, no conflicts (2 of 4 stars). 2 submissions from 2 submitters: Uncertain significance (2). Last evaluated 2025-06-11.

Conditions:
DICER1-related tumor predisposition. Also called: DICER1 syndrome; DICER1-related pleuropulmonary blastoma cancer predisposition syndrome. Identifiers: Orphanet 284343, MedGen C3839822, MONDO:0100216.
Hereditary cancer-predisposing syndrome. Also called: Neoplastic Syndromes, Hereditary; Tumor predisposition; Hereditary Cancer Syndrome; Hereditary neoplastic syndrome. Identifiers: Orphanet 140162, MedGen C0027672, MeSH D009386, MONDO:0015356.

Submissions (2):

Labcorp Genetics (formerly Invitae), Labcorp
Classification: Uncertain significance for DICER1-related tumor predisposition. Last evaluated: 2025-06-11. Review status: criteria provided, single submitter. Criteria: Invitae Variant Classification Sherloc (09022015). Collection method: clinical testing. Allele origin: germline.
Comment: This sequence change replaces tyrosine, which is neutral and polar, with cysteine, which is neutral and slightly polar, at codon 1204 of the DICER1 protein (p.Tyr1204Cys). This variant is not present in population databases (gnomAD no frequency). This variant has not been reported in the literature in individuals affected with DICER1-related conditions. ClinVar contains an entry for this variant (Variation ID: 1733231). Invitae Evidence Modeling of protein sequence and biophysical properties (such as structural, functional, and spatial information, amino acid conservation, physicochemical variation, residue mobility, and thermodynamic stability) indicates that this missense variant is not expected to disrupt DICER1 protein function with a negative predictive value of 95%. In summary, the available evidence is currently insufficient to determine the role of this variant in disease. Therefore, it has been classified as a Variant of Uncertain Significance.

Ambry Genetics
Classification: Uncertain significance for Hereditary cancer-predisposing syndrome. Last evaluated: 2021-08-10. Review status: criteria provided, single submitter. Criteria: Ambry Variant Classification Scheme 2023. Collection method: clinical testing. Allele origin: germline.
Comment: The p.Y1204C variant (also known as c.3611A>G), located in coding exon 20 of the DICER1 gene, results from an A to G substitution at nucleotide position 3611. The tyrosine at codon 1204 is replaced by cysteine, an amino acid with highly dissimilar properties. This amino acid position is not well conserved in available vertebrate species. In addition, the in silico prediction for this alteration is inconclusive. Since supporting evidence is limited at this time, the clinical significance of this alteration remains unclear.